The following is an entry in ClinVar:

ClinVar aggregate classification (germline): Likely pathogenic (1 of 4 stars; one submission).

Conditions:
Cornelia de Lange syndrome 6 (CDLS6). Identifiers: MedGen C5882712, MONDO:0957921, OMIM 620568.

Submission:

3billion
Classification: Likely pathogenic for Cornelia de Lange syndrome 6. Last evaluated: 2025-02-19. Review status: criteria provided, single submitter. Criteria: ACMG Guidelines, 2015. Collection method: clinical testing. Allele origin: germline. Affected: yes.
Comment: The variant is not observed in the gnomAD v4.1.0 dataset. Predicted Consequence/Location: Frameshift: predicted to result in a loss or disruption of normal protein function through nonsense-mediated decay (NMD) or protein truncation. Multiple pathogenic variants are reported downstream of the variant. Therefore, this variant is classified as Likely pathogenic according to the recommendation of ACMG/AMP guideline.

NM_001379291.1(BRD4):c.1315dup (p.Val439fs)

Gene: BRD4 (bromodomain containing 4; minus strand). Cytogenetic location: 19p13.12.
Variant type: Duplication.
Coding change: c.1315dup on transcript NM_001379291.1 (MANE Select); coding-DNA position 1315, one base duplicated (G; older notation c.1315dupG).
Protein change: p.Val439fs; shifts the reading frame from valine 439.
Molecular consequence: frameshift variant.
Genome position (GRCh38, 1-based): chr19:15,263,446, C duplicated on the plus strand (G on the coding strand, the reverse complement: BRD4 is on the minus strand); the first of 2 consecutive C bases (chr19:15,263,446-15,263,447); duplicating either gives the same sequence. VCF-style (leftmost placement, unchanged base first): chr19-15263445-A-AC. GRCh37 (hg19) VCF-style: chr19-15374256-A-AC.
Other names: c.1315dup, p.Val439fs (NM_001330384.2, NM_001379292.1, NM_014299.3 and 1 more transcripts); short protein forms V439fs.
Identifiers: ClinVar variation 4293038 (VCV004293038.1).